The following is an entry in ClinVar:

ClinVar aggregate classification (germline): Uncertain significance (1 of 4 stars; one submission).

gnomAD v4.1: 4 of 1,614,108 alleles (0.00025%); highest among the groups gnomAD compares: Middle Eastern, 0.016%; no homozygotes.

Submission:

Labcorp Genetics (formerly Invitae), Labcorp
Classification: Uncertain significance. Last evaluated: 2022-09-01. Review status: criteria provided, single submitter. Criteria: Invitae Variant Classification Sherloc (09022015). Collection method: clinical testing. Allele origin: germline.
Comment: This sequence change replaces aspartic acid, which is acidic and polar, with asparagine, which is neutral and polar, at codon 1007 of the DHX38 protein (p.Asp1007Asn). This variant is not present in population databases (gnomAD no frequency). This variant has not been reported in the literature in individuals affected with DHX38-related conditions. ClinVar contains an entry for this variant (Variation ID: 1425944). Algorithms developed to predict the effect of missense changes on protein structure and function are either unavailable or do not agree on the potential impact of this missense change (SIFT: "Deleterious"; PolyPhen-2: "Possibly Damaging"; Align-GVGD: "Class C15"). In summary, the available evidence is currently insufficient to determine the role of this variant in disease. Therefore, it has been classified as a Variant of Uncertain Significance.

NM_014003.4(DHX38):c.3019G>A (p.Asp1007Asn)

Genes: DHX38 (DEAH-box helicase 38; plus strand), LOC126862391 (CDK7 strongly-dependent group 2 enhancer GRCh37_chr16:72141414-72142613; plus strand). Cytogenetic location: 16q22.2.
Variant type: single nucleotide variant.
Coding change: c.3019G>A on transcript NM_014003.4 (MANE Select); coding-DNA position 3019, G replaced by A.
Protein change: p.Asp1007Asn; replaces aspartic acid 1007 with asparagine.
Molecular consequence: missense variant.
Genome position (GRCh38, 1-based): chr16:72,108,281, G>A. VCF-style: chr16-72108281-G-A. GRCh37 (hg19) VCF-style: chr16-72142180-G-A.
Other names: short protein forms D1007N.
Identifiers: ClinVar variation 1425944 (VCV001425944.5), dbSNP rs2042209405, ClinGen allele CA396715690.